The following is an entry in ClinVar:

ClinVar aggregate classification (germline): Likely benign (0 of 4 stars; one submission).

Conditions:
PARN-related disorder. Also called: PARN-related disorders; PARN-related condition.

Allele frequency attached by ClinVar (database versions not stated): gnomAD exomes below 0.00001.
gnomAD v4.1: 2 of 1,572,214 alleles (0.00013%); highest among the groups gnomAD compares: Non-Finnish European, 0.000088%; no homozygotes.

Submission:

PreventionGenetics, part of Exact Sciences
Classification: Likely benign for PARN-related condition. Last evaluated: 2023-12-19. Review status: no assertion criteria provided. Collection method: clinical testing. Allele origin: germline.
Comment: This variant is classified as likely benign based on ACMG/AMP sequence variant interpretation guidelines (Richards et al. 2015 PMID: 25741868, with internal and published modifications).

NM_002582.4(PARN):c.1167C>T (p.Cys389=)

Gene: PARN (poly(A)-specific ribonuclease; minus strand). Cytogenetic location: 16p13.12.
Variant type: single nucleotide variant.
Coding change: c.1167C>T on transcript NM_002582.4 (MANE Select); coding-DNA position 1167, C replaced by T.
Protein change: p.Cys389=; no amino-acid change (cysteine 389 retained).
Molecular consequence: synonymous variant.
Genome position (GRCh38, 1-based): chr16:14,582,206, G>A on the plus strand (C>T on the coding strand, the complement: PARN is on the minus strand). VCF-style: chr16-14582206-G-A. GRCh37 (hg19) VCF-style: chr16-14676063-G-A.
Other names: c.984C>T, p.Cys328= (NM_001134477.3); c.1029C>T, p.Cys343= (NM_001242992.2).
Identifiers: ClinVar variation 3058146 (VCV003058146.2), dbSNP rs2507835996, ClinGen allele CA493425325.